The following is an entry in ClinVar:

ClinVar aggregate classification (germline): Likely pathogenic (1 of 4 stars; one submission).

Conditions:
Severe intellectual disability-progressive spastic diplegia syndrome (NEDSDV). Also called: CTNNB1 Neurodevelopmental Disorder; NEURODEVELOPMENTAL DISORDER WITH SPASTIC DIPLEGIA AND VISUAL DEFECTS. Identifiers: Orphanet 404473, MedGen C3554449, MONDO:0014035, OMIM 615075.

Submission:

Undiagnosed Diseases Network, NIH
Classification: Likely pathogenic for Severe intellectual disability-progressive spastic diplegia syndrome. Last evaluated: 2026-03-11. Review status: criteria provided, single submitter. Criteria: ACMG Guidelines, 2015. Collection method: clinical testing, in vitro. Allele origin: maternal, not applicable. Affected: yes. Observed: 3 variant alleles, 2 heterozygotes, 1 mosaic individual. Clinical features observed: Strabismus (HP:0000486), Dysarthria (HP:0001260), Global developmental delay (HP:0001263), Achilles tendon contracture (HP:0001771), Hemivertebrae (HP:0002937). Functional consequence: decreased transcription. Study: Undiagnosed Diseases Network (NIH), UDN.
Comment: Deletion results in exon 1 removal and 50% reduced gene expression.

NC_000003.12:g.41197908_41203654del

Genes: CTNNB1 (catenin beta 1; plus strand), LOC129936536 (ATAC-STARR-seq lymphoblastoid active region 19725; plus strand). Cytogenetic location: 3p22.1.
Variant type: Deletion.
Genome position: GRCh38: chr3:41,197,908-41,203,654. GRCh37 (hg19): chr3:41,239,399-41,245,145.
Identifiers: ClinVar variation 4857190 (VCV004857190.1).